The following is an entry in ClinVar:

ClinVar aggregate classification (germline): Uncertain significance. Review status: criteria provided, multiple submitters, no conflicts (2 of 4 stars). 4 submissions from 4 submitters: Uncertain significance (4). Last evaluated 2025-10-14.

Conditions:
Charcot-Marie-Tooth disease type 2B2 (CMT2B2). Also called: CHARCOT-MARIE-TOOTH DISEASE, AXONAL, TYPE 2B2; CHARCOT-MARIE-TOOTH DISEASE, NEURONAL, TYPE 2B2; Charcot-Marie-Tooth Neuropathy Type 2B2; CHARCOT-MARIE-TOOTH DISEASE, AXONAL, AUTOSOMAL RECESSIVE, TYPE 2B2. Identifiers: Orphanet 101101, MedGen C1854150, MONDO:0011570, OMIM 605589.
Congenital cataract-microcephaly-nevus flammeus simplex-severe intellectual disability syndrome. Also called: Basel-Vanagaite-Smirin-Yosef syndrome. Identifiers: Orphanet 464738, MedGen C4225323, MONDO:0014643, OMIM 616449.
Inborn genetic diseases. Identifiers: MedGen C0950123, MeSH D030342.
Charcot-Marie-Tooth disease type 2. Also called: Charcot-Marie-Tooth type 2. Identifiers: Orphanet 64746, MedGen C0270914, MONDO:0018993.

Allele frequency attached by ClinVar (database versions not stated): ESP Exome Variant Server 0.00008; gnomAD 0.00011 and 0.00010; gnomAD exomes 0.00023 and 0.00014; ExAC 0.00028; TOPMed 0.00012.
gnomAD v4.1: 343 of 1,611,504 alleles (0.021%); highest among the groups gnomAD compares: Non-Finnish European, 0.027%; no homozygotes.

Submissions (4):

Labcorp Genetics (formerly Invitae), Labcorp
Classification: Uncertain significance for Charcot-Marie-Tooth disease type 2. Last evaluated: 2025-10-14. Review status: criteria provided, single submitter. Criteria: Invitae Variant Classification Sherloc (09022015). Collection method: clinical testing. Allele origin: germline.
Comment: This sequence change replaces leucine, which is neutral and non-polar, with valine, which is neutral and non-polar, at codon 480 of the MED25 protein (p.Leu480Val). This variant is present in population databases (rs148214958, gnomAD 0.03%). This variant has not been reported in the literature in individuals affected with MED25-related conditions. ClinVar contains an entry for this variant (Variation ID: 216779). An algorithm developed to predict the effect of missense changes on protein structure and function (PolyPhen-2) suggests that this variant is likely to be tolerated. In summary, the available evidence is currently insufficient to determine the role of this variant in disease. Therefore, it has been classified as a Variant of Uncertain Significance.

Ambry Genetics
Classification: Uncertain significance for Inborn genetic diseases. Last evaluated: 2024-12-16. Review status: criteria provided, single submitter. Criteria: Ambry Variant Classification Scheme 2023. Collection method: clinical testing. Allele origin: germline.

Fulgent Genetics
Classification: Uncertain significance for Charcot-Marie-Tooth disease type 2B2; Congenital cataract-microcephaly-nevus flammeus simplex-severe intellectual disability syndrome. Last evaluated: 2018-10-31. Review status: criteria provided, single submitter. Criteria: ACMG Guidelines, 2015. Collection method: clinical testing. Allele origin: unknown.

ARUP Laboratories, Molecular Genetics and Genomics, ARUP Laboratories
Classification: Uncertain significance. Last evaluated: 2017-09-05. Review status: criteria provided, single submitter. Criteria: ARUP Molecular Germline Variant Investigation Process. Collection method: clinical testing. Allele origin: germline.
Comment: The p.Leu480Val variant (rs148214958) has not been reported in the medical literature; however, it is listed in the ClinVar database as a variant of uncertain significance (Variation ID: 216779). It is listed in the Genome Aggregation Database (gnomAD) browser with a frequency in non-Finnish European populations of 0.026% (identified in 33 out of 124,724 chromosomes). The leucine at codon 480 is highly conserved considering 11 species up to frog (Alamut software v2.9), although computational analyses return mixed results regarding the effect of this variant on MED25 protein structure/function (SIFT: damaging, PolyPhen2: benign, and Mutation Taster: disease causing). Thus, based on the available information, the clinical significance of the p.Leu480Val variant cannot be determined with certainty.

NM_030973.4(MED25):c.1438C>G (p.Leu480Val)

Gene: MED25 (mediator complex subunit 25; plus strand). Cytogenetic location: 19q13.33.
Variant type: single nucleotide variant.
Coding change: c.1438C>G on transcript NM_030973.4 (MANE Select); coding-DNA position 1438, C replaced by G.
Protein change: p.Leu480Val; replaces leucine 480 with valine.
Molecular consequence: missense variant.
Genome position (GRCh38, 1-based): chr19:49,832,371, C>G. VCF-style: chr19-49832371-C-G. GRCh37 (hg19) VCF-style: chr19-50335628-C-G.
Other names: c.1438C>G, p.Leu480Val (NM_001378355.1); short protein forms L480V.
Identifiers: ClinVar variation 216779 (VCV000216779.16), dbSNP rs148214958, ClinGen allele CA337197.